The following is an entry in ClinVar:

NM_014252.4(SLC25A15):c.22C>T (p.Gln8Ter)

Gene: SLC25A15 (solute carrier family 25 member 15; plus strand). Cytogenetic location: 13q14.11.
Variant type: single nucleotide variant.
Coding change: c.22C>T on transcript NM_014252.4 (MANE Select); coding-DNA position 22, C replaced by T.
Protein change: p.Gln8Ter; replaces glutamine 8 with a stop codon.
Molecular consequence: nonsense.
Genome position (GRCh38, 1-based): chr13:40,793,248, C>T. VCF-style: chr13-40793248-C-T. GRCh37 (hg19) VCF-style: chr13-41367384-C-T.
Other names: short protein forms Q8*.
Identifiers: ClinVar variation 489127 (VCV000489127.14), dbSNP rs1448259297, ClinGen allele CA387916252.

ClinVar aggregate classification (germline): Pathogenic/Likely pathogenic. Review status: criteria provided, multiple submitters, no conflicts (2 of 4 stars). 8 submissions from 6 submitters: Pathogenic (7); Likely pathogenic (1). Last evaluated 2025-11-18.

Conditions:
Cardiac arrhythmia. Also called: Arrhythmia; Cardiac rhythm disease. Identifiers: MedGen C0003811, MONDO:0007263, HP:0011675.
Hereditary breast ovarian cancer syndrome. Also called: Hereditary breast and ovarian cancer; Hereditary breast and ovarian cancer syndrome (HBOC); BRCA1- and BRCA2-Associated Hereditary Breast and Ovarian Cancer; Breast and ovarian cancer; Hereditary breast and ovarian cancer syndrome; Hereditary breast and/or ovarian cancer syndrome. Identifiers: Orphanet 145, MedGen C0677776, MeSH D061325, MONDO:0003582. Disease mechanism: loss of function.
Hyperornithinemia-hyperammonemia-homocitrullinuria syndrome (HHHS). Also called: HHH SYNDROME; Ornithine translocase deficiency. Identifiers: Orphanet 415, MedGen C0268540, MONDO:0009393, OMIM 238970.

Allele frequency attached by ClinVar (database versions not stated): gnomAD exomes 0.00001.
gnomAD v4.1: 3 of 1,614,118 alleles (0.00019%); highest among the groups gnomAD compares: Admixed American, 0.005%; no homozygotes.

Submissions (8):

Natera, Inc.
Classification: Likely pathogenic for Hyperornithinemia-hyperammonemia-homocitrullinuria syndrome. Last evaluated: 2025-11-18. Review status: criteria provided, single submitter. Criteria: Natera Variant Classification Schema (03/2026). Collection method: clinical testing. Allele origin: germline.
Comment: The c.22C>T variant in SLC25A15 is a nonsense variant predicted to introduce a stop codon at amino acid 8. This variant is expected to result in nonsense mediated decay, truncation, or a dysfunctional protein product. This variant is rare in the general population with a frequency below the threshold expected for the associated phenotype(s). Given the available evidence, this variant is classified as Likely Pathogenic.

Labcorp Genetics (formerly Invitae), Labcorp
Classification: Pathogenic for Hyperornithinemia-hyperammonemia-homocitrullinuria syndrome. Last evaluated: 2025-03-18. Review status: criteria provided, single submitter. Criteria: Invitae Variant Classification Sherloc (09022015). Collection method: clinical testing. Allele origin: germline.
Comment: This sequence change creates a premature translational stop signal (p.Gln8*) in the SLC25A15 gene. It is expected to result in an absent or disrupted protein product. Loss-of-function variants in SLC25A15 are known to be pathogenic (PMID: 11552031, 19242930). This variant is present in population databases (no rsID available, gnomAD 0.006%). This premature translational stop signal has been observed in individual(s) with hyperornithinemia-hyperammonemia-homocitrullinuria syndrome (PMID: 30187369). ClinVar contains an entry for this variant (Variation ID: 489127). For these reasons, this variant has been classified as Pathogenic.

Fulgent Genetics
Classification: Pathogenic for Hyperornithinemia-hyperammonemia-homocitrullinuria syndrome. Last evaluated: 2024-03-22. Review status: criteria provided, single submitter. Criteria: ACMG Guidelines, 2015. Collection method: clinical testing. Allele origin: germline.

Women's Health and Genetics/Laboratory Corporation of America, LabCorp
Classification: Pathogenic for Cardiac arrhythmia. Last evaluated: 2024-03-20. Review status: criteria provided, single submitter. Criteria: LabCorp Variant Classification Summary - May 2015. Collection method: clinical testing. Allele origin: germline.

Women's Health and Genetics/Laboratory Corporation of America, LabCorp
Classification: Pathogenic for Hereditary breast ovarian cancer syndrome. Last evaluated: 2024-03-20. Review status: criteria provided, single submitter. Criteria: LabCorp Variant Classification Summary - May 2015. Collection method: clinical testing. Allele origin: germline.

Women's Health and Genetics/Laboratory Corporation of America, LabCorp
Classification: Pathogenic for Hyperornithinemia-hyperammonemia-homocitrullinuria syndrome. Last evaluated: 2024-03-20. Review status: criteria provided, single submitter. Criteria: LabCorp Variant Classification Summary - May 2015. Collection method: clinical testing. Allele origin: germline.
Comment: Variant summary: SLC25A15 c.22C>T (p.Gln8X) results in a premature termination codon, predicted to cause a truncation of the encoded protein or absence of the protein due to nonsense mediated decay, which are commonly known mechanisms for disease. The variant allele was found at a frequency of 8e-06 in 251226 control chromosomes. c.22C>T has been reported in the literature in individuals affected with Hyperornithinemia-Hyperammonemia-Homocitrullinuria Syndrome (Wild_2019). To our knowledge, no experimental evidence demonstrating an impact on protein function has been reported. The following publication have been ascertained in the context of this evaluation (PMID: 30187369). ClinVar contains an entry for this variant (Variation ID: 489127). Based on the evidence outlined above, the variant was classified as pathogenic.

Baylor Genetics
Classification: Pathogenic for Hyperornithinemia-hyperammonemia-homocitrullinuria syndrome. Last evaluated: 2024-02-14. Review status: criteria provided, single submitter. Criteria: ACMG Guidelines, 2015. Collection method: clinical testing. Allele origin: unknown.

GeneDx
Classification: Pathogenic. Last evaluated: 2017-11-16. Review status: criteria provided, single submitter. Criteria: GeneDx Variant Classification (06012015). Collection method: clinical testing. Allele origin: germline. Affected: yes.
Comment: The Q8X nonsense variant is predicted to cause loss of normal protein function either through protein truncation or nonsense-mediated mRNA decay. The Q8X variant is not observed at a significant frequency in large population cohorts (Lek et al., 2016). Although this variant has not been reported previously to our knowledge, it is expected to be a pathogenic variant.

Literature cited by the submitters: PubMed 11552031 (cited by Labcorp Genetics (formerly Invitae), Labcorp); PubMed 19242930 (cited by Labcorp Genetics (formerly Invitae), Labcorp); PubMed 30187369 (cited by Labcorp Genetics (formerly Invitae), Labcorp and Women's Health and Genetics/Laboratory Corporation of America, LabCorp).